The following is an entry in ClinVar:

NM_006231.4(POLE):c.6069C>T (p.Thr2023=)

Gene: POLE (DNA polymerase epsilon, catalytic subunit; minus strand). Cytogenetic location: 12q24.33.
Variant type: single nucleotide variant.
Coding change: c.6069C>T on transcript NM_006231.4 (MANE Select); coding-DNA position 6069, C replaced by T.
Protein change: p.Thr2023=; no amino-acid change (threonine 2023 retained).
Molecular consequence: synonymous variant.
Genome position (GRCh38, 1-based): chr12:132,632,731, G>A on the plus strand (C>T on the coding strand, the complement: POLE is on the minus strand). VCF-style: chr12-132632731-G-A. GRCh37 (hg19) VCF-style: chr12-133209317-G-A.
Identifiers: ClinVar variation 772113 (VCV000772113.14), dbSNP rs747547378, ClinGen allele CA482848457.
Genomic context (GRCh38, chr12:132,632,731, plus strand): 5'-GGCTCCGACCGCCCCCTCGGCCTCCTGGGAGAGCTGGCTGGCCCCCCTCCTCCTCACGGG[G>A]GTGCTCCCTGGAGCACTGCGCCTCAGCCCGTCCTTCATGCAGTGGTACACGGCCACGATG-3'
Protein context (NP_006222.2, residues 2013-2033): DGLRRSAPGS[Thr2023=]PVRRRGASQL

ClinVar aggregate classification (germline): Likely benign. Review status: criteria provided, multiple submitters, no conflicts (2 of 4 stars). 3 submissions from 3 submitters: Likely benign (2). 1 of the submissions does not count toward it. Last evaluated 2025-10-23.

Conditions:
Hereditary cancer-predisposing syndrome. Also called: Neoplastic Syndromes, Hereditary; Hereditary Cancer Syndrome; Tumor predisposition; Hereditary neoplastic syndrome. Identifiers: Orphanet 140162, MedGen C0027672, MeSH D009386, MONDO:0015356.
POLE-related disorder. Also called: POLE-related disorders; POLE-related condition.

Allele frequency attached by ClinVar (database versions not stated): gnomAD 0.00001.
gnomAD v4.1: 24 of 1,613,250 alleles (0.0015%); highest among the groups gnomAD compares: Non-Finnish European, 0.0019%; no homozygotes.

Submissions (3):

Labcorp Genetics (formerly Invitae), Labcorp
Classification: Likely benign. Last evaluated: 2025-10-23. Review status: criteria provided, single submitter. Criteria: Invitae Variant Classification Sherloc (09022015). Collection method: clinical testing. Allele origin: germline.

Ambry Genetics
Classification: Likely benign for Hereditary cancer-predisposing syndrome. Last evaluated: 2018-08-23. Review status: criteria provided, single submitter. Criteria: Ambry Variant Classification Scheme 2023. Collection method: clinical testing. Allele origin: germline.

PreventionGenetics, part of Exact Sciences
Classification: Likely benign for POLE-related condition. Last evaluated: 2024-04-13. Review status: no assertion criteria provided. Collection method: clinical testing. Allele origin: germline. Not counted in ClinVar's aggregate classification.
Comment: This variant is classified as likely benign based on ACMG/AMP sequence variant interpretation guidelines (Richards et al. 2015 PMID: 25741868, with internal and published modifications).